The following is an entry in ClinVar:

ClinVar aggregate classification (germline): Uncertain significance (1 of 4 stars; one submission).

Conditions:
Hereditary breast ovarian cancer syndrome. Also called: Hereditary breast and ovarian cancer syndrome; BRCA1- and BRCA2-Associated Hereditary Breast and Ovarian Cancer; Hereditary breast and ovarian cancer; Hereditary breast and/or ovarian cancer syndrome; Hereditary breast and ovarian cancer syndrome (HBOC); Breast and ovarian cancer. Identifiers: Orphanet 145, MedGen C0677776, MeSH D061325, MONDO:0003582. Disease mechanism: loss of function.

Submission:

Labcorp Genetics (formerly Invitae), Labcorp
Classification: Uncertain significance for Hereditary breast ovarian cancer syndrome. Last evaluated: 2022-03-06. Review status: criteria provided, single submitter. Criteria: Invitae Variant Classification Sherloc (09022015). Collection method: clinical testing. Allele origin: germline.
Comment: This sequence change replaces arginine, which is basic and polar, with serine, which is neutral and polar, at codon 3269 of the BRCA2 protein (p.Arg3269Ser). This variant is not present in population databases (gnomAD no frequency). This variant has not been reported in the literature in individuals affected with BRCA2-related conditions. Advanced modeling of protein sequence and biophysical properties (such as structural, functional, and spatial information, amino acid conservation, physicochemical variation, residue mobility, and thermodynamic stability) performed at Invitae indicates that this missense variant is not expected to disrupt BRCA2 protein function. In summary, the available evidence is currently insufficient to determine the role of this variant in disease. Therefore, it has been classified as a Variant of Uncertain Significance.

NM_000059.4(BRCA2):c.9807A>C (p.Arg3269Ser)

Gene: BRCA2 (BRCA2 DNA repair associated; plus strand). Cytogenetic location: 13q13.1.
Variant type: single nucleotide variant.
Coding change: c.9807A>C on transcript NM_000059.4 (MANE Select); coding-DNA position 9807, A replaced by C.
Protein change: p.Arg3269Ser; replaces arginine 3269 with serine.
Molecular consequence: missense variant.
Genome position (GRCh38, 1-based): chr13:32,398,320, A>C. VCF-style: chr13-32398320-A-C. GRCh37 (hg19) VCF-style: chr13-32972457-A-C.
Other names: c.9711A>C, p.Arg3237Ser (NM_001406719.1); c.9756A>C, p.Arg3252Ser (NM_001406720.1); c.4875A>C, p.Arg1625Ser (NM_001406721.1); c.3390A>C, p.Arg1130Ser (NM_001406722.1); short protein forms R1625S, R1130S, R3237S, R3252S, R3269S.
Identifiers: ClinVar variation 2107431 (VCV002107431.4), dbSNP rs2137663968, ClinGen allele CA387766105.